The following is an entry in ClinVar:

NM_002843.4(PTPRJ):c.1253G>A (p.Arg418His)

Gene: PTPRJ (protein tyrosine phosphatase receptor type J; plus strand). Cytogenetic location: 11p11.2.
Variant type: single nucleotide variant.
Coding change: c.1253G>A on transcript NM_002843.4 (MANE Select); coding-DNA position 1253, G replaced by A.
Protein change: p.Arg418His; replaces arginine 418 with histidine.
Molecular consequence: missense variant.
Genome position (GRCh38, 1-based): chr11:48,127,939, G>A. VCF-style: chr11-48127939-G-A. GRCh37 (hg19) VCF-style: chr11-48149491-G-A.
Other names: c.1253G>A, p.Arg418His (NM_001098503.2); short protein forms R418H.
Identifiers: ClinVar variation 211973 (VCV000211973.31), dbSNP rs61739179, ClinGen allele CA208125.

ClinVar aggregate classification (germline): Likely benign. Review status: criteria provided, multiple submitters, no conflicts (2 of 4 stars). 3 submissions from 3 submitters: Likely benign (3). Last evaluated 2022-11-01.

Allele frequency attached by ClinVar (database versions not stated): 1000 Genomes Project 30x 0.00141; 1000 Genomes Project 0.00160; TOPMed 0.00374; ESP Exome Variant Server 0.00485; ExAC 0.00564; gnomAD 0.00596 and 0.00618.
gnomAD v4.1: 9,387 of 1,614,106 alleles (0.58%); highest among the groups gnomAD compares: Non-Finnish European, 0.61%; 64 homozygotes.

Submissions (3):

CeGaT Center for Human Genetics Tuebingen
Classification: Likely benign. Last evaluated: 2022-11-01. Review status: criteria provided, single submitter. Criteria: CeGaT Center For Human Genetics Tuebingen Variant Classification Criteria Version 2. Collection method: clinical testing. Allele origin: germline. Affected: yes. Observed: 1 variant allele.
Comment: PTPRJ: BP4, BS2

Genetic Services Laboratory, University of Chicago
Classification: Likely benign. Last evaluated: 2015-08-02. Review status: criteria provided, single submitter. Criteria: ACMG Guidelines, 2015. Collection method: clinical testing. Allele origin: germline.

Breakthrough Genomics
Classification: Likely benign. Review status: criteria provided, single submitter. Criteria: ACMG Guidelines, 2015. Collection method: not provided. Allele origin: germline. Inheritance: Autosomal dominant inheritance. Affected: yes.